The following is an entry in ClinVar:

NM_004380.3(CREBBP):c.994G>A (p.Val332Met)

Gene: CREBBP (CREB binding lysine acetyltransferase; minus strand). Cytogenetic location: 16p13.3.
Variant type: single nucleotide variant.
Coding change: c.994G>A on transcript NM_004380.3 (MANE Select); coding-DNA position 994, G replaced by A.
Protein change: p.Val332Met; replaces valine 332 with methionine.
Molecular consequence: missense variant.
Genome position (GRCh38, 1-based): chr16:3,793,608, C>T on the plus strand (G>A on the coding strand, the complement: CREBBP is on the minus strand). VCF-style: chr16-3793608-C-T. GRCh37 (hg19) VCF-style: chr16-3843609-C-T.
Other names: c.994G>A, p.Val332Met (NM_001079846.1); short protein forms V332M.
Identifiers: ClinVar variation 5000103 (VCV005000103.1).

ClinVar aggregate classification (germline): Likely benign (1 of 4 stars; one submission).

Conditions:
CREBBP-related disorder. Also called: CREBBP-related condition; CREBBP-related disorders.

gnomAD v4.1: 1 of 1,613,142 alleles (0.000062%); highest among the groups gnomAD compares: Admixed American, 0.0017%; no homozygotes.

Submission:

PreventionGenetics, part of Exact Sciences
Classification: Likely benign for CREBBP-related condition. Last evaluated: 2025-02-09. Review status: criteria provided, single submitter. Criteria: ACMG Guidelines, 2015. Collection method: clinical testing. Allele origin: germline.
Comment: This variant is classified as likely benign based on ACMG/AMP sequence variant interpretation guidelines (Richards et al. 2015 PMID: 25741868, with internal and published modifications).